The following is an entry in ClinVar:

NM_152381.6(XIRP2):c.21C>T (p.Gly7=)

Gene: XIRP2 (xin actin binding repeat containing 2; plus strand). Cytogenetic location: 2q24.3.
Variant type: single nucleotide variant.
Coding change: c.21C>T on transcript NM_152381.6 (MANE Select); coding-DNA position 21, C replaced by T.
Protein change: p.Gly7=; no amino-acid change (glycine 7 retained).
Molecular consequence: synonymous variant.
Genome position (GRCh38, 1-based): chr2:166,903,503, C>T. VCF-style: chr2-166903503-C-T. GRCh37 (hg19) VCF-style: chr2-167760013-C-T.
Other names: c.21C>T (NM_152381.5); c.21C>T, p.Gly7= (NM_001079810.4, NM_001199143.2).
Identifiers: ClinVar variation 2651512 (VCV002651512.25), dbSNP rs373936387, ClinGen allele CA1946050.

ClinVar aggregate classification (germline): Likely benign. Review status: criteria provided, single submitter (1 of 4 stars). 2 submissions from 2 submitters: Likely benign (1). 1 of the submissions does not count toward it. Last evaluated 2023-01-01.

Conditions:
XIRP2-related disorder. Also called: XIRP2-related condition.

Allele frequency attached by ClinVar (database versions not stated): ExAC 0.00028; gnomAD 0.00028; TOPMed 0.00028; ESP Exome Variant Server 0.00050; gnomAD exomes 0.00057.
gnomAD v4.1: 868 of 1,612,834 alleles (0.054%); highest among the groups gnomAD compares: Non-Finnish European, 0.069%; 1 homozygote.

Submissions (2):

CeGaT Center for Human Genetics Tuebingen
Classification: Likely benign. Last evaluated: 2023-01-01. Review status: criteria provided, single submitter. Criteria: CeGaT Center For Human Genetics Tuebingen Variant Classification Criteria Version 2. Collection method: clinical testing. Allele origin: germline. Affected: yes. Observed: 1 variant allele.
Comment: XIRP2: BP4, BP7

PreventionGenetics, part of Exact Sciences
Classification: Likely benign for XIRP2-related condition. Last evaluated: 2019-06-19. Review status: no assertion criteria provided. Collection method: clinical testing. Allele origin: germline. Not counted in ClinVar's aggregate classification.
Comment: This variant is classified as likely benign based on ACMG/AMP sequence variant interpretation guidelines (Richards et al. 2015 PMID: 25741868, with internal and published modifications).